The following is an entry in ClinVar:

NM_001371596.2(MFSD8):c.782A>C (p.Gln261Pro)

Gene: MFSD8 (major facilitator superfamily domain containing 8; minus strand). Cytogenetic location: 4q28.2.
Variant type: single nucleotide variant.
Coding change: c.782A>C on transcript NM_001371596.2 (MANE Select); coding-DNA position 782, A replaced by C.
Protein change: p.Gln261Pro; replaces glutamine 261 with proline.
Molecular consequence: missense variant.
Genome position (GRCh38, 1-based): chr4:127,933,066, T>G on the plus strand (A>C on the coding strand, the complement: MFSD8 is on the minus strand). VCF-style: chr4-127933066-T-G. GRCh37 (hg19) VCF-style: chr4-128854221-T-G.
Other names: c.581A>C, p.Gln194Pro (NM_001363520.3); c.467A>C, p.Gln156Pro (NM_001363521.3); c.647A>C, p.Gln216Pro (NM_001371590.2); c.782A>C, p.Gln261Pro (NM_001371591.2, NM_152778.4); c.788A>C, p.Gln263Pro (NM_001371592.2); c.668A>C, p.Gln223Pro (NM_001371593.2, NM_001410766.1); c.635A>C, p.Gln212Pro (NM_001371594.2); c.500A>C, p.Gln167Pro (NM_001371595.1); and 1 more; short protein forms Q111P, Q156P, Q212P, Q216P, Q261P, Q223P, Q167P, Q194P.
Identifiers: ClinVar variation 1901086 (VCV001901086.2), dbSNP rs961210243, ClinGen allele CA105679843.
Genomic context (GRCh38, chr4:127,933,066, plus strand): 5'-AATAGAGTCACAAAAAACAGAACATTGATGGCCACAACAGCAACCTGGTCAATATTTCCT[T>G]GGGGAACCTGAGCTTCATCTGTACTTGCTATAGGGAAATAGGAGAAAAATTACATTACCT-3'
Protein context (NP_001358525.1, residues 251-271): EASTDEAQVP[Gln261Pro]GNIDQVAVVA

ClinVar aggregate classification (germline): Uncertain significance (1 of 4 stars; one submission).

Conditions:
Neuronal ceroid lipofuscinosis 7 (CLN7). Also called: MFSD8-Related Neuronal Ceroid-Lipofuscinosis. Identifiers: Orphanet 168491, Orphanet 228366, MedGen C1838571, MONDO:0012588, OMIM 610951.

Allele frequency attached by ClinVar (database versions not stated): gnomAD exomes below 0.00001.
gnomAD v4.1: 1 of 1,613,792 alleles (0.000062%); highest among the groups gnomAD compares: Non-Finnish European, 0.000085%; no homozygotes.

Submission:

Labcorp Genetics (formerly Invitae), Labcorp
Classification: Uncertain significance for Neuronal ceroid lipofuscinosis 7. Last evaluated: 2022-06-19. Review status: criteria provided, single submitter. Criteria: Invitae Variant Classification Sherloc (09022015). Collection method: clinical testing. Allele origin: germline.
Comment: This sequence change replaces glutamine, which is neutral and polar, with proline, which is neutral and non-polar, at codon 261 of the MFSD8 protein (p.Gln261Pro). This variant is not present in population databases (gnomAD no frequency). This variant has not been reported in the literature in individuals affected with MFSD8-related conditions. Algorithms developed to predict the effect of missense changes on protein structure and function are either unavailable or do not agree on the potential impact of this missense change (SIFT: "Deleterious"; PolyPhen-2: "Possibly Damaging"; Align-GVGD: "Class C15"). In summary, the available evidence is currently insufficient to determine the role of this variant in disease. Therefore, it has been classified as a Variant of Uncertain Significance.